The following is an entry in ClinVar:

NM_006231.4(POLE):c.158T>C (p.Leu53Pro)

Gene: POLE (DNA polymerase epsilon, catalytic subunit; minus strand). Cytogenetic location: 12q24.33.
Variant type: single nucleotide variant.
Coding change: c.158T>C on transcript NM_006231.4 (MANE Select); coding-DNA position 158, T replaced by C.
Protein change: p.Leu53Pro; replaces leucine 53 with proline.
Molecular consequence: missense variant.
Genome position (GRCh38, 1-based): chr12:132,681,184, A>G on the plus strand (T>C on the coding strand, the complement: POLE is on the minus strand). VCF-style: chr12-132681184-A-G. GRCh37 (hg19) VCF-style: chr12-133257770-A-G.
Other names: c.158T>C (NM_006231.2); short protein forms L53P.
Identifiers: ClinVar variation 1042978 (VCV001042978.8), dbSNP rs1336989336, ClinGen allele CA387369916.
Genomic context (GRCh38, chr12:132,681,184, plus strand): 5'-GACCTAGTGCTTACAGGATGCATGTTAATGAGCCAGCCTGTCTTCTCACCAGGCTCCTTC[A>G]GCCGCTCAAAACCAAACCGCAAATCCATCTTATCCGTCCACTGACTCCGTTCCAGGCGCT-3'
Protein context (NP_006222.2, residues 43-63): KMDLRFGFER[Leu53Pro]KEPGEKTGWL

ClinVar aggregate classification (germline): Uncertain significance. Review status: criteria provided, multiple submitters, no conflicts (2 of 4 stars). 3 submissions from 3 submitters: Uncertain significance (3). Last evaluated 2026-07-26.

Conditions:
Hereditary cancer-predisposing syndrome. Also called: Tumor predisposition; Hereditary Cancer Syndrome; Hereditary neoplastic syndrome; Neoplastic Syndromes, Hereditary. Identifiers: Orphanet 140162, MedGen C0027672, MeSH D009386, MONDO:0015356.

Allele frequency attached by ClinVar (database versions not stated): gnomAD exomes below 0.00001.
gnomAD v4.1: 1 of 1,614,160 alleles (0.000062%); highest among the groups gnomAD compares: Non-Finnish European, 0.000085%; no homozygotes.

Submissions (3):

Ambry Genetics
Classification: Uncertain significance for Hereditary cancer-predisposing syndrome. Last evaluated: 2026-07-26. Review status: criteria provided, single submitter. Criteria: Ambry Variant Classification Scheme 2023. Collection method: clinical testing. Allele origin: germline.
Comment: The p.L53P variant (also known as c.158T>C), located in coding exon 2 of the POLE gene, results from a T to C substitution at nucleotide position 158. The leucine at codon 53 is replaced by proline, an amino acid with similar properties. This amino acid position is conserved. In addition, this alteration is predicted to be tolerated by in silico analysis. Based on the available evidence, the clinical significance of this variant remains unclear.

Labcorp Genetics (formerly Invitae), Labcorp
Classification: Uncertain significance. Last evaluated: 2026-01-11. Review status: criteria provided, single submitter. Criteria: Invitae Variant Classification Sherloc (09022015). Collection method: clinical testing. Allele origin: germline.
Comment: This sequence change replaces leucine, which is neutral and non-polar, with proline, which is neutral and non-polar, at codon 53 of the POLE protein (p.Leu53Pro). This variant is present in population databases (no rsID available, gnomAD 0.0009%). This missense change has been observed in individual(s) with POLE-related conditions (PMID: 35957908). ClinVar contains an entry for this variant (Variation ID: 1042978). Invitae Evidence Modeling of protein sequence and biophysical properties (such as structural, functional, and spatial information, amino acid conservation, physicochemical variation, residue mobility, and thermodynamic stability) indicates that this missense variant is not expected to disrupt POLE protein function with a negative predictive value of 80%. In summary, the available evidence is currently insufficient to determine the role of this variant in disease. Therefore, it has been classified as a Variant of Uncertain Significance.

Center for Genomic Medicine, Rigshospitalet, Copenhagen University Hospital
Classification: Uncertain significance. Last evaluated: 2025-03-04. Review status: criteria provided, single submitter. Criteria: ACMG Guidelines, 2015. Collection method: clinical testing. Allele origin: germline.

Literature cited by the submitters: PubMed 35957908 (cited by Labcorp Genetics (formerly Invitae), Labcorp).